The following is an entry in ClinVar:

NM_170707.4(LMNA):c.1660del (p.Glu554fs)

Gene: LMNA (lamin A/C; plus strand). Cytogenetic location: 1q22.
Variant type: Deletion.
Coding change: c.1660del on transcript NM_170707.4 (MANE Select); coding-DNA position 1660, one base deleted (G; older notation c.1660delG).
Protein change: p.Glu554fs; shifts the reading frame from glutamic acid 554.
Molecular consequence: frameshift variant. On other transcripts: intron variant (1).
Genome position (GRCh38, 1-based): chr1:156,137,705, G deleted. VCF-style (leftmost placement, unchanged base first): chr1-156137704-CG-C. GRCh37 (hg19) VCF-style: chr1-156107495-CG-C.
Other names: c.1036del, p.Glu346fs (NM_001406999.1, NM_001407000.1, NM_001407001.1 and 1 more transcripts); c.1102del, p.Glu368fs (NM_001407002.1, NM_001407003.1, NM_001406990.1 and 4 more transcripts); c.1660del, p.Glu554fs (NM_005572.4, NM_001282625.2, NM_001282626.2 and 5 more transcripts); c.1608+473del (NM_170708.4); c.1324del, p.Glu442fs (NM_001257374.3, NM_001406989.1, NM_001406998.1); c.1417del, p.Glu473fs (NM_001282624.2, NM_001406986.1, NM_001406987.1); c.1363del, p.Glu455fs (NM_001406988.1); short protein forms E368fs, E442fs, E473fs, E346fs, E455fs, E554fs.
Identifiers: ClinVar variation 2700776 (VCV002700776.3), dbSNP rs2528019483, ClinGen allele CA2697554575.

ClinVar aggregate classification (germline): Pathogenic (1 of 4 stars; one submission).

Conditions:
Charcot-Marie-Tooth disease type 2. Also called: Charcot-Marie-Tooth type 2. Identifiers: Orphanet 64746, MedGen C0270914, MONDO:0018993.

Submission:

Labcorp Genetics (formerly Invitae), Labcorp
Classification: Pathogenic for Charcot-Marie-Tooth disease type 2. Last evaluated: 2024-10-29. Review status: criteria provided, single submitter. Criteria: Invitae Variant Classification Sherloc (09022015). Collection method: clinical testing. Allele origin: germline.
Comment: This sequence change results in a frameshift in the LMNA gene (p.Glu554Argfs*144). While this is not anticipated to result in nonsense mediated decay, it is expected to disrupt the last 111 amino acid(s) of the LMNA protein and extend the protein by 32 additional amino acid residues. This variant is not present in population databases (gnomAD no frequency). This variant has not been reported in the literature in individuals affected with LMNA-related conditions. ClinVar contains an entry for this variant (Variation ID: 2700776). This variant disrupts a region of the LMNA protein in which other variant(s) (p.Asp596Asn) have been determined to be pathogenic (PMID: 18035816, 21520333). This suggests that this is a clinically significant region of the protein, and that variants that disrupt it are likely to be disease-causing. For these reasons, this variant has been classified as Pathogenic.

Literature cited by the submitters: PubMed 18035816; PubMed 21520333.